The following is an entry in ClinVar:

NM_001170629.2(CHD8):c.5881C>T (p.Arg1961Cys)

Gene: CHD8 (chromodomain helicase DNA binding protein 8; minus strand). Cytogenetic location: 14q11.2.
Variant type: single nucleotide variant.
Coding change: c.5881C>T on transcript NM_001170629.2 (MANE Select); coding-DNA position 5881, C replaced by T.
Protein change: p.Arg1961Cys; replaces arginine 1961 with cysteine.
Molecular consequence: missense variant.
Genome position (GRCh38, 1-based): chr14:21,393,914, G>A on the plus strand (C>T on the coding strand, the complement: CHD8 is on the minus strand). VCF-style: chr14-21393914-G-A. GRCh37 (hg19) VCF-style: chr14-21862073-G-A.
Other names: c.5044C>T, p.Arg1682Cys (NM_020920.4); short protein forms R1682C, R1961C.
Identifiers: ClinVar variation 4687296 (VCV004687296.2).
Genomic context (GRCh38, chr14:21,393,914, plus strand): 5'-AGCAGCGTGACAAGGATGGAGCTGGTGCTCCTGCTTGATGGTTCTGCATATAATTCATAC[G>A]GGCAGCCAGAAAAGAGAAGTCTGGGTCCTGCATGATGTTGCAGTCTGTTTGGCTCACCCC-3'
Protein context (NP_001164100.1, residues 1951-1971): QDPDFSFLAA[Arg1961Cys]MNYMQNHQAG

ClinVar aggregate classification (germline): Uncertain significance. Review status: criteria provided, multiple submitters, no conflicts (2 of 4 stars). 2 submissions from 2 submitters: Uncertain significance (2). Last evaluated 2025-10-14.

gnomAD v4.1: 2 of 1,613,872 alleles (0.00012%); highest among the groups gnomAD compares: African/African-American, 0.0013%; no homozygotes.

Submissions (2):

Women's Health and Genetics/Laboratory Corporation of America, LabCorp
Classification: Uncertain significance. Last evaluated: 2025-10-14. Review status: criteria provided, single submitter. Criteria: LabCorp Variant Classification Summary - May 2015. Collection method: clinical testing. Allele origin: germline.
Comment: Variant summary: CHD8 c.5881C>T (p.Arg1961Cys) results in a non-conservative amino acid change in the encoded protein sequence. Algorithms developed to predict the effect of missense changes on protein structure and function are either unavailable or do not agree on the potential impact of this missense change. The variant was absent in 248842 control chromosomes. The available data on variant occurrences in the general population are insufficient to allow any conclusion about variant significance. To our knowledge, no occurrence of c.5881C>T in individuals affected with CHD8-related conditions and no experimental evidence demonstrating its impact on protein function have been reported. No submitters have cited clinical-significance assessments for this variant to ClinVar. Based on the evidence outlined above, the variant was classified as uncertain significance.

Labcorp Genetics (formerly Invitae), Labcorp
Classification: Uncertain significance. Last evaluated: 2025-04-01. Review status: criteria provided, single submitter. Criteria: Invitae Variant Classification Sherloc (09022015). Collection method: clinical testing. Allele origin: germline.
Comment: This sequence change replaces arginine, which is basic and polar, with cysteine, which is neutral and slightly polar, at codon 1961 of the CHD8 protein (p.Arg1961Cys). This variant is not present in population databases (gnomAD no frequency). This variant has not been reported in the literature in individuals affected with CHD8-related conditions. Invitae Evidence Modeling of protein sequence and biophysical properties (such as structural, functional, and spatial information, amino acid conservation, physicochemical variation, residue mobility, and thermodynamic stability) indicates that this missense variant is not expected to disrupt CHD8 protein function with a negative predictive value of 95%. In summary, the available evidence is currently insufficient to determine the role of this variant in disease. Therefore, it has been classified as a Variant of Uncertain Significance.